The following is an entry in ClinVar:

NM_030962.4(SBF2):c.5354G>A (p.Cys1785Tyr)

Genes: SBF2 (SET binding factor 2; minus strand), SBF2-AS1 (SBF2 antisense RNA 1; plus strand), LOC105369149 (uncharacterized LOC105369149; plus strand). Cytogenetic location: 11p15.4.
Variant type: single nucleotide variant.
Coding change: c.5354G>A on transcript NM_030962.4 (MANE Select); coding-DNA position 5354, G replaced by A.
Protein change: p.Cys1785Tyr; replaces cysteine 1785 with tyrosine.
Molecular consequence: missense variant.
Genome position (GRCh38, 1-based): chr11:9,781,604, C>T on the plus strand (G>A on the coding strand, the complement: SBF2 is on the minus strand). VCF-style: chr11-9781604-C-T. GRCh37 (hg19) VCF-style: chr11-9803151-C-T.
Other names: c.5450G>A, p.Cys1817Tyr (NM_001386339.1); c.5225G>A, p.Cys1742Tyr (NM_001386342.1); short protein forms C1742Y, C1785Y, C1817Y.
Identifiers: ClinVar variation 1717119 (VCV001717119.6), dbSNP rs776497318, ClinGen allele CA379630508.
Genomic context (GRCh38, chr11:9,781,604, plus strand): 5'-CCCATGCTGGGGCCAGCAGGGATGACCATTTCTACTTCAGCCAGATCAATGTGGCCTTTA[C>T]AGCTTGTGTCCTCACCTGAGTCATAGTAGCGCAGCTGGAACCAAAAGGATACAAGTGAGA-3'
Protein context (NP_112224.1, residues 1775-1795): RYYDSGEDTS[Cys1785Tyr]KGHIDLAEVE

ClinVar aggregate classification (germline): Uncertain significance (1 of 4 stars; one submission).

Conditions:
Charcot-Marie-Tooth disease type 4. Also called: Charcot-Marie-Tooth disease, type IV; Charcot-Marie-Tooth, Type 4. Identifiers: Orphanet 64749, MedGen C4082197, MONDO:0018995.

gnomAD v4.1: 3 of 1,614,212 alleles (0.00019%); highest among the groups gnomAD compares: South Asian, 0.0033%; no homozygotes.

Submission:

Labcorp Genetics (formerly Invitae), Labcorp
Classification: Uncertain significance for Charcot-Marie-Tooth disease type 4. Last evaluated: 2022-08-20. Review status: criteria provided, single submitter. Criteria: Invitae Variant Classification Sherloc (09022015). Collection method: clinical testing. Allele origin: germline.
Comment: This variant is not present in population databases (gnomAD no frequency). This sequence change replaces cysteine, which is neutral and slightly polar, with tyrosine, which is neutral and polar, at codon 1785 of the SBF2 protein (p.Cys1785Tyr). This variant has not been reported in the literature in individuals affected with SBF2-related conditions. In summary, the available evidence is currently insufficient to determine the role of this variant in disease. Therefore, it has been classified as a Variant of Uncertain Significance. Algorithms developed to predict the effect of missense changes on protein structure and function are either unavailable or do not agree on the potential impact of this missense change (SIFT: "Tolerated"; PolyPhen-2: "Probably Damaging"; Align-GVGD: "Class C0").